The following is an entry in ClinVar:

ClinVar aggregate classification (germline): Uncertain significance. Review status: criteria provided, single submitter (1 of 4 stars). 2 submissions from 2 submitters: Uncertain significance (1). 1 of the submissions does not count toward it. Last evaluated 2016-06-01.

Conditions:
DST-related disorder. Also called: DST-related condition; DST-related disorders.

Allele frequency attached by ClinVar (database versions not stated): gnomAD below 0.00001 and 0.00001; gnomAD exomes below 0.00001 and 0.00001; TOPMed 0.00001; ExAC 0.00002.
gnomAD v4.1: 19 of 1,601,728 alleles (0.0012%); highest among the groups gnomAD compares: Middle Eastern, 0.033%; no homozygotes.

Submissions (2):

CeGaT Center for Human Genetics Tuebingen
Classification: Uncertain significance. Last evaluated: 2016-06-01. Review status: criteria provided, single submitter. Criteria: CeGaT Center For Human Genetics Tuebingen Variant Classification Criteria Version 2. Collection method: clinical testing. Allele origin: germline. Affected: yes. Observed: 1 variant allele.

PreventionGenetics, part of Exact Sciences
Classification: Likely benign for DST-related condition. Last evaluated: 2021-06-23. Review status: no assertion criteria provided. Collection method: clinical testing. Allele origin: germline. Not counted in ClinVar's aggregate classification.
Comment: This variant is classified as likely benign based on ACMG/AMP sequence variant interpretation guidelines (Richards et al. 2015 PMID: 25741868, with internal and published modifications).

NM_001374736.1(DST):c.20916C>T (p.Tyr6972=)

Gene: DST (dystonin; minus strand). Cytogenetic location: 6p12.1.
Variant type: single nucleotide variant.
Coding change: c.20916C>T on transcript NM_001374736.1 (MANE Select); coding-DNA position 20916, C replaced by T.
Protein change: p.Tyr6972=; no amino-acid change (tyrosine 6972 retained).
Molecular consequence: synonymous variant.
Genome position (GRCh38, 1-based): chr6:56,487,235, G>A on the plus strand (C>T on the coding strand, the complement: DST is on the minus strand). VCF-style: chr6-56487235-G-A. GRCh37 (hg19) VCF-style: chr6-56352033-G-A.
Other names: c.14559C>T, p.Tyr4853= (NM_001144769.5); c.14145C>T, p.Tyr4715= (NM_001144770.2); c.20916C>T, p.Tyr6972= (NM_001374722.1); c.19956C>T, p.Tyr6652= (NM_001374729.1); c.13698C>T, p.Tyr4566= (NM_001374730.1); c.20943C>T, p.Tyr6981= (NM_001374734.1); c.13047C>T, p.Tyr4349= (NM_015548.5); c.14025C>T, p.Tyr4675= (NM_183380.4); and 1 more.
Identifiers: ClinVar variation 809950 (VCV000809950.43), dbSNP rs763815018, ClinGen allele CA3866624.
Genomic context (GRCh38, chr6:56,487,235, plus strand): 5'-GTTGTCATCAGCCAGGGAGGTTTTCTCCTTCAGAGAACGTCCAGTCCTGTTGGTGGTGTC[G>A]TAGACAGAATGCTTGGCTCCGAGTGATTTCTGAAACTCCTAAATATTTAACAAGAAAAAA-3'
Protein context (NP_001361665.1, residues 6962-6982): QKSLGAKHSV[Tyr6972=]DTTNRTGRSL